The following is an entry in ClinVar:

ClinVar aggregate classification (germline): Pathogenic (1 of 4 stars; one submission).

Conditions:
Alport syndrome. Also called: Hemorrhagic familial nephritis; Hemorrhagic hereditary nephritis; Congenital hereditary hematuria. Identifiers: Orphanet 63, MedGen C1567741, MONDO:0018965.

Submission:

Myriad Genetics, Inc.
Classification: Pathogenic for Alport syndrome. Last evaluated: 2026-08-01. Review status: criteria provided, single submitter. Criteria: Myriad Autosomal Dominant, Autosomal Recessive and X-Linked Classification Criteria (2023). Collection method: clinical testing. Allele origin: unknown.
Comment: NM_000092.4(COL4A4):c.702delC(G235Vfs*4) is expected to be pathogenic in the context of Alport syndrome, COL4A4-related. This variant is predicted to lead to an abnormal or absent protein product due to the creation of a premature termination codon in COL4A4, a gene where loss-of-function variants are known to be pathogenic. Please note: this variant was assessed in the context of healthy population screening.

NM_000092.5(COL4A4):c.702del (p.Gly235fs)

Gene: COL4A4 (collagen type IV alpha 4 chain; minus strand). Cytogenetic location: 2q36.3.
Variant type: Deletion.
Coding change: c.702del on transcript NM_000092.5 (MANE Select); coding-DNA position 702, one base deleted (C; older notation c.702delC).
Protein change: p.Gly235fs; shifts the reading frame from glycine 235.
Molecular consequence: frameshift variant.
Genome position (GRCh38, 1-based): chr2:227,108,614, G deleted on the plus strand (C on the coding strand, the reverse complement: COL4A4 is on the minus strand); the first of 3 consecutive G bases (chr2:227,108,614-227,108,616); deleting any one gives the same sequence. VCF-style (leftmost placement, unchanged base first): chr2-227108613-CG-C. GRCh37 (hg19) VCF-style: chr2-227973329-CG-C.
Other names: short protein forms G235fs.
Identifiers: ClinVar variation 5016191 (VCV005016191.1).